The following is an entry in ClinVar:

NM_003748.4(ALDH4A1):c.*1239G>C

Gene: ALDH4A1 (aldehyde dehydrogenase 4 family member A1; minus strand). Cytogenetic location: 1p36.13.
Variant type: single nucleotide variant.
Coding change: c.*1239G>C on transcript NM_003748.4 (MANE Select); 1239 bases downstream of the stop codon, G replaced by C.
Molecular consequence: 3 prime UTR variant.
Genome position (GRCh38, 1-based): chr1:18,871,606, C>G on the plus strand (G>C on the coding strand, the complement: ALDH4A1 is on the minus strand). VCF-style: chr1-18871606-C-G. GRCh37 (hg19) VCF-style: chr1-19198100-C-G.
Other names: c.*1239G>C (NM_001161504.2, NM_001319218.2); c.*226G>C (NM_170726.3).
Identifiers: ClinVar variation 294334 (VCV000294334.6), dbSNP rs1138328, ClinGen allele CA10608584.
Genomic context (GRCh38, chr1:18,871,606, plus strand): 5'-CGGCCCCTCATGGGAAATGACACATATCCTGGAAGGACACAGAACCCACACCCAGCCCAG[C>G]TGGCACCAGCACCCACCCCCATCCATGGGCCAGTGGCACTTGGGGAATGGCCACACCAGC-3'

ClinVar aggregate classification (germline): Benign. Review status: criteria provided, multiple submitters, no conflicts (2 of 4 stars). 2 submissions from 2 submitters: Benign (2). Last evaluated 2018-01-12.

Conditions:
Hyperprolinemia type 2 (HYRPRO2). Also called: 1-PYRROLINE-5-CARBOXYLATE DEHYDROGENASE DEFICIENCY; Deficiency of pyrroline-5-carboxylate reductase; Delta-1-pyrroline-5-carboxylate dehydrogenase deficiency. Identifiers: Orphanet 79101, MedGen C2931835, MONDO:0009401, OMIM 239510.

Allele frequency attached by ClinVar (database versions not stated): 1000 Genomes Project 0.16514; 1000 Genomes Project 30x 0.16786; gnomAD 0.23393 and 0.24081; TOPMed 0.23678; gnomAD exomes 0.25424.
gnomAD v4.1: 35,762 of 152,310 alleles (23%); highest among the groups gnomAD compares: Middle Eastern, 31%; 4,492 homozygotes.

Submissions (2):

Illumina Laboratory Services, Illumina
Classification: Benign for Hyperprolinemia type 2. Last evaluated: 2018-01-12. Review status: criteria provided, single submitter. Criteria: ICSL Variant Classification Criteria 13 December 2019. Collection method: clinical testing. Allele origin: germline.
Comment: This variant was observed in the ICSL laboratory as part of a predisposition screen in an ostensibly healthy population. It had not been previously curated by ICSL or reported in the Human Gene Mutation Database (HGMD: prior to June 1st, 2018), and was therefore a candidate for classification through an automated scoring system. Utilizing variant allele frequency, disease prevalence and penetrance estimates, and inheritance mode, an automated score was calculated to assess if this variant is too frequent to cause the disease. Based on the score and internal cut-off values, a variant classified as benign is not then subjected to further curation. The score for this variant resulted in a classification of benign for this disease.

Breakthrough Genomics
Classification: Benign. Review status: criteria provided, single submitter. Criteria: ACMG Guidelines, 2015. Collection method: not provided. Allele origin: germline. Inheritance: Autosomal recessive inheritance. Affected: yes.